The following is an entry in ClinVar:

ClinVar aggregate classification (germline): Uncertain significance. Review status: criteria provided, multiple submitters, no conflicts (2 of 4 stars). 5 submissions from 5 submitters: Uncertain significance (4). 1 of the submissions does not count toward it. Last evaluated 2026-01-19.

Conditions:
Very long chain acyl-CoA dehydrogenase deficiency (ACADVLD). Also called: VLCAD Deficiency; Very Long-Chain Acyl-Coenzyme A Dehydrogenase Deficiency. Identifiers: Orphanet 26793, MedGen C3887523, MONDO:0008723, OMIM 201475.
Inborn genetic diseases. Identifiers: MedGen C0950123, MeSH D030342.

Allele frequency attached by ClinVar (database versions not stated): ExAC below 0.00001; gnomAD exomes 0.00002 and 0.00003; 1000 Genomes Project 30x 0.00016; gnomAD 0.00021; TOPMed 0.00022.

Submissions (5):

Labcorp Genetics (formerly Invitae), Labcorp
Classification: Uncertain significance for Very long chain acyl-CoA dehydrogenase deficiency. Last evaluated: 2026-01-19. Review status: criteria provided, single submitter. Criteria: Invitae Variant Classification Sherloc (09022015). Collection method: clinical testing. Allele origin: germline.
Comment: This sequence change replaces alanine, which is neutral and non-polar, with threonine, which is neutral and polar, at codon 41 of the ACADVL protein (p.Ala41Thr). This variant is present in population databases (rs367705640, gnomAD 0.06%). This variant has not been reported in the literature in individuals affected with ACADVL-related conditions. ClinVar contains an entry for this variant (Variation ID: 569736). Invitae Evidence Modeling of protein sequence and biophysical properties (such as structural, functional, and spatial information, amino acid conservation, physicochemical variation, residue mobility, and thermodynamic stability) has been performed for this missense variant. However, the output from this modeling did not meet the statistical confidence thresholds required to predict the impact of this variant on ACADVL protein function. In summary, the available evidence is currently insufficient to determine the role of this variant in disease. Therefore, it has been classified as a Variant of Uncertain Significance.

Ambry Genetics
Classification: Uncertain significance for Inborn genetic diseases. Last evaluated: 2024-11-23. Review status: criteria provided, single submitter. Criteria: Ambry Variant Classification Scheme 2023. Collection method: clinical testing. Allele origin: germline.
Comment: The p.A41T variant (also known as c.121G>A), located in coding exon 2 of the ACADVL gene, results from a G to A substitution at nucleotide position 121. The alanine at codon 41 is replaced by threonine, an amino acid with similar properties. This amino acid position is conserved. In addition, the in silico prediction for this alteration is inconclusive. Based on the available evidence, the clinical significance of this variant remains unclear.

Blueprint Genetics
Classification: Uncertain significance. Last evaluated: 2024-06-27. Review status: criteria provided, single submitter. Criteria: ACMG Guidelines, 2015. Collection method: clinical testing. Allele origin: germline.

Wong Mito Lab, Molecular and Human Genetics, Baylor College of Medicine
Classification: Uncertain significance for Very long chain acyl-CoA dehydrogenase deficiency. Last evaluated: 2019-11-01. Review status: criteria provided, single submitter. Criteria: ACMG Guidelines, 2015. Collection method: clinical testing. Allele origin: germline.
Comment: The NM_000018.3:c.121G>A (NP_000009.1:p.Ala41Thr) [GRCH38: NC_000017.11:g.7220180G>A] variant in ACADVL gene is interpretated to be Uncertain Significance based on ACMG guidelines (PMID: 25741868). This variant has been reported. This variant meets the following evidence codes reported in the ACMG guidelines: BP6

Natera, Inc.
Classification: Uncertain significance for Very long chain acyl-CoA dehydrogenase deficiency. Last evaluated: 2019-10-28. Review status: no assertion criteria provided. Collection method: clinical testing. Allele origin: germline. Not counted in ClinVar's aggregate classification.

NM_000018.4(ACADVL):c.121G>A (p.Ala41Thr)

Genes: ACADVL (acyl-CoA dehydrogenase very long chain; plus strand), LOC130060113 (ATAC-STARR-seq lymphoblastoid silent region 8088; plus strand). Cytogenetic location: 17p13.1.
Variant type: single nucleotide variant.
Coding change: c.121G>A on transcript NM_000018.4 (MANE Select); coding-DNA position 121, G replaced by A.
Protein change: p.Ala41Thr; replaces alanine 41 with threonine.
Molecular consequence: missense variant. On other transcripts: 5 prime UTR variant (1).
Genome position (GRCh38, 1-based): chr17:7,220,180, G>A. VCF-style: chr17-7220180-G-A. GRCh37 (hg19) VCF-style: chr17-7123499-G-A.
Other names: c.121G>A (NM_000018.2); c.121G>A, p.Ala41Thr (NM_001033859.3); c.190G>A, p.Ala64Thr (NM_001270447.2); c.-108G>A (NM_001270448.2); short protein forms A41T, A64T.
Identifiers: ClinVar variation 569736 (VCV000569736.12), dbSNP rs367705640, ClinGen allele CA8337550.